The following is an entry in ClinVar:

ClinVar aggregate classification (germline): Uncertain significance. Review status: criteria provided, multiple submitters, no conflicts (2 of 4 stars). 2 submissions from 2 submitters: Uncertain significance (2). Last evaluated 2024-07-03.

Conditions:
Familial thoracic aortic aneurysm and aortic dissection (TAAD). Also called: Thoracic aortic aneurysms and dissections. Identifiers: Orphanet 91387, MedGen C4707243, MONDO:0019625.

gnomAD v4.1: 1 of 1,611,764 alleles (0.000062%); highest among the groups gnomAD compares: East Asian, 0.0022%; no homozygotes.

Submissions (2):

Labcorp Genetics (formerly Invitae), Labcorp
Classification: Uncertain significance for Familial thoracic aortic aneurysm and aortic dissection. Last evaluated: 2024-07-03. Review status: criteria provided, single submitter. Criteria: Invitae Variant Classification Sherloc (09022015). Collection method: clinical testing. Allele origin: germline.
Comment: This sequence change replaces arginine, which is basic and polar, with glycine, which is neutral and non-polar, at codon 312 of the MAT2A protein (p.Arg312Gly). This variant is present in population databases (no rsID available, gnomAD 0.006%). This variant has not been reported in the literature in individuals affected with MAT2A-related conditions. Advanced modeling of protein sequence and biophysical properties (such as structural, functional, and spatial information, amino acid conservation, physicochemical variation, residue mobility, and thermodynamic stability) performed at Invitae indicates that this missense variant is not expected to disrupt MAT2A protein function with a negative predictive value of 80%. Algorithms developed to predict the effect of sequence changes on RNA splicing suggest that this variant may disrupt the consensus splice site. In summary, the available evidence is currently insufficient to determine the role of this variant in disease. Therefore, it has been classified as a Variant of Uncertain Significance.

Women's Health and Genetics/Laboratory Corporation of America, LabCorp
Classification: Uncertain significance. Last evaluated: 2024-03-30. Review status: criteria provided, single submitter. Criteria: LabCorp Variant Classification Summary - May 2015. Collection method: clinical testing. Allele origin: germline.

NM_005911.6(MAT2A):c.934C>G (p.Arg312Gly)

Genes: GGCX (gamma-glutamyl carboxylase; minus strand), MAT2A (methionine adenosyltransferase 2A; plus strand). Cytogenetic location: 2p11.2.
Variant type: single nucleotide variant.
Coding change: c.934C>G on transcript NM_005911.6 (MANE Select); coding-DNA position 934, C replaced by G.
Protein change: p.Arg312Gly; replaces arginine 312 with glycine.
Molecular consequence: missense variant.
Genome position (GRCh38, 1-based): chr2:85,542,730, C>G. VCF-style: chr2-85542730-C-G. GRCh37 (hg19) VCF-style: chr2-85769853-C-G.
Other names: short protein forms R312G.
Identifiers: ClinVar variation 3233842 (VCV003233842.4), dbSNP rs1261187254, ClinGen allele CA347478000.